The following is an entry in ClinVar:

ClinVar aggregate classification (germline): Benign. Review status: criteria provided, multiple submitters, no conflicts (2 of 4 stars). 2 submissions from 2 submitters: Benign (2). Last evaluated 2018-06-14.

Allele frequency attached by ClinVar (database versions not stated): 1000 Genomes Project 0.05152; 1000 Genomes Project 30x 0.05559; gnomAD 0.06664 and 0.06836; TOPMed 0.07081.
gnomAD v4.1: 10,120 of 152,226 alleles (6.6%); highest among the groups gnomAD compares: African/African-American, 7.3%; 377 homozygotes.

Submissions (2):

GeneDx
Classification: Benign. Last evaluated: 2018-06-14. Review status: criteria provided, single submitter. Criteria: GeneDx Variant Classification (06012015). Collection method: clinical testing. Allele origin: germline. Affected: yes.
Comment: This variant is considered likely benign or benign based on one or more of the following criteria: it is a conservative change, it occurs at a poorly conserved position in the protein, it is predicted to be benign by multiple in silico algorithms, and/or has population frequency not consistent with disease.

Breakthrough Genomics
Classification: Benign. Review status: criteria provided, single submitter. Criteria: ACMG Guidelines, 2015. Collection method: not provided. Allele origin: germline. Inheritance: Autosomal recessive inheritance. Affected: yes.

NM_001195263.2(PDZD7):c.1750-241C>T

Gene: PDZD7 (PDZ domain containing 7; minus strand). Cytogenetic location: 10q24.31.
Variant type: single nucleotide variant.
Coding change: c.1750-241C>T on transcript NM_001195263.2 (MANE Select); 241 bases into the intron before coding-DNA position 1750, C replaced by T.
Molecular consequence: intron variant.
Genome position (GRCh38, 1-based): chr10:101,012,499, G>A on the plus strand (C>T on the coding strand, the complement: PDZD7 is on the minus strand). VCF-style: chr10-101012499-G-A. GRCh37 (hg19) VCF-style: chr10-102772256-G-A.
Identifiers: ClinVar variation 672433 (VCV000672433.2), dbSNP rs11591425, ClinGen allele CA13250392.